The following is an entry in ClinVar:

NM_000179.3(MSH6):c.180G>A (p.Leu60=)

Gene: MSH6 (mutS homolog 6; plus strand). Cytogenetic location: 2p16.3.
Variant type: single nucleotide variant.
Coding change: c.180G>A on transcript NM_000179.3 (MANE Select); coding-DNA position 180, G replaced by A.
Protein change: p.Leu60=; no amino-acid change (leucine 60 retained).
Molecular consequence: synonymous variant. On other transcripts: 5 prime UTR variant (1).
Genome position (GRCh38, 1-based): chr2:47,783,413, G>A. VCF-style: chr2-47783413-G-A. GRCh37 (hg19) VCF-style: chr2-48010552-G-A.
Other names: c.180G>A, p.Leu60= (NM_001281492.2); c.-557G>A (NM_001281493.2).
Identifiers: ClinVar variation 479863 (VCV000479863.31), dbSNP rs1030492598, ClinGen allele CA46688284.
Genomic context (GRCh38, chr2:47,783,413, plus strand): 5'-CTCTCCTTCCCCAGGCGGGGATGCGGCCTGGAGCGAGGCTGGGCCTGGGCCCAGGCCCTT[G>A]GCGCGCTCCGCGTCACCGCCCAAGGCGAAGAACCTCAACGGAGGGCTGCGGAGATCGGTA-3'
Protein context (NP_000170.1, residues 50-70): WSEAGPGPRP[Leu60=]ARSASPPKAK

ClinVar aggregate classification (germline): Benign/Likely benign. Review status: criteria provided, multiple submitters, no conflicts (2 of 4 stars). 6 submissions from 6 submitters: Benign (1); Likely benign (5). Last evaluated 2025-10-13.

Conditions:
Hereditary nonpolyposis colorectal neoplasms. Identifiers: MedGen C0009405, MeSH D003123.
Hereditary cancer-predisposing syndrome. Also called: Hereditary neoplastic syndrome; Tumor predisposition; Neoplastic Syndromes, Hereditary; Hereditary Cancer Syndrome. Identifiers: Orphanet 140162, MedGen C0027672, MeSH D009386, MONDO:0015356.
Lynch syndrome. Identifiers: Orphanet 144, MedGen C4552100, MONDO:0005835. Disease mechanism: loss of function.
Lynch syndrome 5 (LYNCH5). Also called: Hereditary non-polyposis colorectal cancer, type 5; Colorectal cancer, hereditary nonpolyposis, type 5. Identifiers: Orphanet 144, MedGen C1833477, MONDO:0013710, OMIM 614350. Disease mechanism: loss of function.

Allele frequency attached by ClinVar (database versions not stated): gnomAD 0.00001; TOPMed 0.00002.
gnomAD v4.1: 1 of 1,523,042 alleles (0.000066%); highest among the groups gnomAD compares: African/African-American, 0.0014%; no homozygotes.

Submissions (6):

Labcorp Genetics (formerly Invitae), Labcorp
Classification: Likely benign for Hereditary nonpolyposis colorectal neoplasms. Last evaluated: 2025-10-13. Review status: criteria provided, single submitter. Criteria: Invitae Variant Classification Sherloc (09022015). Collection method: clinical testing. Allele origin: germline.

Myriad Genetics, Inc.
Classification: Benign for Lynch syndrome 5. Last evaluated: 2024-12-17. Review status: criteria provided, single submitter. Criteria: Myriad Autosomal Dominant, Autosomal Recessive and X-Linked Classification Criteria (2023). Collection method: clinical testing. Allele origin: unknown.
Comment: This variant is considered benign. This variant is a silent/synonymous amino acid change and it is not expected to impact splicing.

CeGaT Center for Human Genetics Tuebingen
Classification: Likely benign. Last evaluated: 2024-10-01. Review status: criteria provided, single submitter. Criteria: CeGaT Center For Human Genetics Tuebingen Variant Classification Criteria Version 2. Collection method: clinical testing. Allele origin: germline. Affected: yes. Observed: 1 variant allele.
Comment: MSH6: BP4, BP7

All of Us Research Program, National Institutes of Health
Classification: Likely benign for Lynch syndrome. Last evaluated: 2023-06-28. Review status: criteria provided, single submitter. Criteria: ACMG Guidelines, 2015. Collection method: clinical testing. Allele origin: germline. Inheritance: Autosomal dominant inheritance. Observed: 1 variant allele, 1 heterozygote.
Comment: This study involves interpretation of variants in research participants for the purpose of population health screening. Participant phenotype was not available at the time of variant classification. Additional details can be found in publication PMID: 35346344, PMCID: PMC8962531

Color Diagnostics, LLC DBA Color Health
Classification: Likely benign for Hereditary cancer-predisposing syndrome. Last evaluated: 2017-07-21. Review status: criteria provided, single submitter. Criteria: ACMG Guidelines, 2015. Collection method: clinical testing. Allele origin: germline.

Ambry Genetics
Classification: Likely benign for Hereditary cancer-predisposing syndrome. Last evaluated: 2017-04-20. Review status: criteria provided, single submitter. Criteria: Ambry Variant Classification Scheme 2023. Collection method: clinical testing. Allele origin: germline.